The following is an entry in ClinVar:

NM_017415.3(KLHL3):c.798A>C (p.Lys266Asn)

Gene: KLHL3 (kelch like family member 3; minus strand). Cytogenetic location: 5q31.2.
Variant type: single nucleotide variant.
Coding change: c.798A>C on transcript NM_017415.3 (MANE Select); coding-DNA position 798, A replaced by C.
Protein change: p.Lys266Asn; replaces lysine 266 with asparagine.
Molecular consequence: missense variant.
Genome position (GRCh38, 1-based): chr5:137,658,236, T>G on the plus strand (A>C on the coding strand, the complement: KLHL3 is on the minus strand). VCF-style: chr5-137658236-T-G. GRCh37 (hg19) VCF-style: chr5-136993925-T-G.
Other names: c.702A>C, p.Lys234Asn (NM_001257194.1); c.552A>C, p.Lys184Asn (NM_001257195.2); short protein forms K266N, K184N, K234N.
Identifiers: ClinVar variation 4739141 (VCV004739141.1).
Genomic context (GRCh38, chr5:137,658,236, plus strand): 5'-AATCAATAGTCTCTGATCCAGAGGGAGGAGATGGTATTTCATGGCCTCAATGAGGAAGTC[T>G]TTACAGGTGTTGTTATTCTTTATCAAAGCTTCTTCTTCAACCGTCTAGAGGTAATAATCC-3'
Protein context (NP_059111.2, residues 256-276): EALIKNNNTC[Lys266Asn]DFLIEAMKYH

ClinVar aggregate classification (germline): Uncertain significance (1 of 4 stars; one submission).

Submission:

Labcorp Genetics (formerly Invitae), Labcorp
Classification: Uncertain significance. Last evaluated: 2025-12-01. Review status: criteria provided, single submitter. Criteria: Invitae Variant Classification Sherloc (09022015). Collection method: clinical testing. Allele origin: germline.
Comment: This sequence change replaces lysine, which is basic and polar, with asparagine, which is neutral and polar, at codon 266 of the KLHL3 protein (p.Lys266Asn). This variant is not present in population databases (gnomAD no frequency). This variant has not been reported in the literature in individuals affected with KLHL3-related conditions. Invitae Evidence Modeling of protein sequence and biophysical properties (such as structural, functional, and spatial information, amino acid conservation, physicochemical variation, residue mobility, and thermodynamic stability) has been performed for this missense variant. However, the output from this modeling did not meet the statistical confidence thresholds required to predict the impact of this variant on KLHL3 protein function. In summary, the available evidence is currently insufficient to determine the role of this variant in disease. Therefore, it has been classified as a Variant of Uncertain Significance.